The following is an entry in ClinVar:

ClinVar aggregate classification (germline): Uncertain significance (1 of 4 stars; one submission).

Conditions:
Spastic ataxia 2. Also called: Ataxia, spastic, 2, autosomal recessive. Identifiers: Orphanet 397946, MedGen C1969796, MONDO:0012651, OMIM 611302.

Submission:

Labcorp Genetics (formerly Invitae), Labcorp
Classification: Uncertain significance for Spastic ataxia 2. Last evaluated: 2021-02-08. Review status: criteria provided, single submitter. Criteria: Invitae Variant Classification Sherloc (09022015). Collection method: clinical testing. Allele origin: germline.
Comment: In summary, the available evidence is currently insufficient to determine the role of this variant in disease. Therefore, it has been classified as a Variant of Uncertain Significance. This variant has not been reported in the literature in individuals with KIF1C-related conditions. This variant is a gross deletion of the genomic region encompassing exon(s) 19-23 of the KIF1C gene. The 5' boundary is likely confined to intron 18. The 3' end of this event is unknown as it extends through the termination codon beyond the assayed region for this gene and may encompass additional genes. While this deletion is not anticipated to lead to nonsense mediated decay, it is expected to alter mRNA translation or result in a truncated protein product.

NC_000017.10:g.(?_4923281)_(4927456_?)del

Gene: KIF1C (kinesin family member 1C; plus strand). Cytogenetic location: 17p13.2.
Variant type: Deletion.
Identifiers: ClinVar variation 1440588 (VCV001440588.6).